The following is an entry in ClinVar:

NM_004415.4(DSP):c.4822C>T (p.Gln1608Ter)

Gene: DSP (desmoplakin; plus strand). Cytogenetic location: 6p24.3.
Variant type: single nucleotide variant.
Coding change: c.4822C>T on transcript NM_004415.4 (MANE Select); coding-DNA position 4822, C replaced by T.
Protein change: p.Gln1608Ter; replaces glutamine 1608 with a stop codon.
Molecular consequence: nonsense. On other transcripts: intron variant (2).
Genome position (GRCh38, 1-based): chr6:7,581,012, C>T. VCF-style: chr6-7581012-C-T. GRCh37 (hg19) VCF-style: chr6-7581245-C-T.
Other names: c.4822C>T (LRG_423t1); c.4050+772C>T (NM_001319034.2); c.3582+1240C>T (NM_001008844.3); short protein forms Q1608*.
Identifiers: ClinVar variation 405234 (VCV000405234.15), dbSNP rs1060500610, ClinGen allele CA16612040.

ClinVar aggregate classification (germline): Pathogenic/Likely pathogenic. Review status: criteria provided, multiple submitters, no conflicts (2 of 4 stars). 4 submissions from 4 submitters: Pathogenic (3); Likely pathogenic (1). Last evaluated 2024-12-12.

Conditions:
Cardiovascular phenotype. Identifiers: MedGen CN230736.
Arrhythmogenic cardiomyopathy with wooly hair and keratoderma. Also called: Dilated cardiomyopathy with woolly hair and keratoderma; Carvajal syndrome; PALMOPLANTAR KERATODERMA WITH LEFT VENTRICULAR CARDIOMYOPATHY AND WOOLLY HAIR; Arrhythmogenic cardiomyopathy with woolly hair and keratoderma. Identifiers: Orphanet 65282, MedGen C1854063, MONDO:0011581, OMIM 605676.
Arrhythmogenic right ventricular dysplasia 8 (ARVD8). Also called: Arrhythmogenic Right Ventricular Dysplasia/Cardiomyopathy 8; ARRHYTHMOGENIC RIGHT VENTRICULAR DYSPLASIA, FAMILIAL, 8; ARRHYTHMOGENIC RIGHT VENTRICULAR CARDIOMYOPATHY 8. Identifiers: MedGen C1843896, MONDO:0011831, OMIM 607450.
Cardiomyopathy (CMYO). Also called: Cardiomyopathies. Identifiers: Orphanet 167848, MedGen C0878544, MONDO:0004994, HP:0001638. Inheritance: Various modes of inheritance.

Submissions (4):

Labcorp Genetics (formerly Invitae), Labcorp
Classification: Pathogenic for Arrhythmogenic cardiomyopathy with wooly hair and keratoderma; Arrhythmogenic right ventricular dysplasia 8. Last evaluated: 2024-12-12. Review status: criteria provided, single submitter. Criteria: Invitae Variant Classification Sherloc (09022015). Collection method: clinical testing. Allele origin: germline.
Comment: This sequence change creates a premature translational stop signal (p.Gln1608*) in the DSP gene. It is expected to result in an absent or disrupted protein product. Loss-of-function variants in DSP are known to be pathogenic (PMID: 20716751, 24503780, 25227139). This variant is not present in population databases (gnomAD no frequency). This premature translational stop signal has been observed in individual(s) with clinical features of DSP-related conditions (PMID: 32372669). ClinVar contains an entry for this variant (Variation ID: 405234). For these reasons, this variant has been classified as Pathogenic.

Color Diagnostics, LLC DBA Color Health
Classification: Pathogenic for Cardiomyopathy. Last evaluated: 2024-06-12. Review status: criteria provided, single submitter. Criteria: ACMG Guidelines, 2015. Collection method: clinical testing. Allele origin: germline.
Comment: This variant changes 1 nucleotide in exon 23/24 of the DSP gene, creating a premature translation stop signal. This variant is expected to result in an absent or non-functional protein product. To our knowledge, this variant has not been reported in individuals affected with DSP-related disorders in the literature. This variant has been identified in two related individuals affected with arrhythmogenic cardiomyopathy (PMID: 32372669). Loss of DSP function is a known mechanism of disease. Based on the available evidence, this variant is classified as Pathogenic.

Ambry Genetics
Classification: Pathogenic for Cardiovascular phenotype. Last evaluated: 2018-10-30. Review status: criteria provided, single submitter. Criteria: Ambry Variant Classification Scheme 2023. Collection method: clinical testing. Allele origin: germline.
Comment: The p.Q1608* pathogenic mutation (also known as c.4822C>T), located in coding exon 23 of the DSP gene, results from a C to T substitution at nucleotide position 4822. This changes the amino acid from a glutamine to a stop codon within coding exon 23. Alterations in DSP that result in haploinsufficiency or protein truncation have been reported in patients with arrhythmogenic right ventricular cardiomyopathy (ARVC) and dilated cardiomyopathy (DCM) (Fressart V et al. Europace. 2010;12(6):861-8; Elliott P et al. Circ Cardiovasc Genet. 2010;3(4):314-22; Quarta G et al. Circulation. 2011;123(23):2701-9; Garcia-Pavia P et al. Heart. 2011;97(21):1744-52; Rasmussen TB et al. Clin Genet. 2013;84(1):20-30; Pugh TJ et al. Genet Med. 2014;16(8):601-8). This alteration is expected to result in loss of function by premature protein truncation or nonsense-mediated mRNA decay. As such, this alteration is interpreted as a disease-causing mutation.

Stanford Center for Inherited Cardiovascular Disease, Stanford University
Classification: Likely pathogenic. Last evaluated: 2017-05-17. Review status: criteria provided, single submitter. Criteria: ACMG Guidelines, 2015. Collection method: provider interpretation. Allele origin: germline.

Literature cited by the submitters: PubMed 20716751 (cited by Labcorp Genetics (formerly Invitae), Labcorp); PubMed 24503780 (cited by Labcorp Genetics (formerly Invitae), Labcorp); PubMed 25227139 (cited by Labcorp Genetics (formerly Invitae), Labcorp); PubMed 32372669 (cited by Labcorp Genetics (formerly Invitae), Labcorp and Color Diagnostics, LLC DBA Color Health).